The following is an entry in ClinVar:

ClinVar aggregate classification (germline): Uncertain significance (0 of 4 stars; one submission).

Conditions:
CLCN7-related disorder. Also called: CLCN7-related condition.

Submission:

PreventionGenetics, part of Exact Sciences
Classification: Uncertain significance for CLCN7-related condition. Last evaluated: 2024-08-14. Review status: no assertion criteria provided. Collection method: clinical testing. Allele origin: germline.
Comment: The CLCN7 c.629A>C variant is predicted to result in the amino acid substitution p.Lys210Thr. To our knowledge, this variant has not been reported in the literature or in a large population database, indicating this variant is rare. At this time, the clinical significance of this variant is uncertain due to the absence of conclusive functional and genetic evidence.

NM_001287.6(CLCN7):c.629A>C (p.Lys210Thr)

Gene: CLCN7 (chloride voltage-gated channel 7; minus strand). Cytogenetic location: 16p13.3.
Variant type: single nucleotide variant.
Coding change: c.629A>C on transcript NM_001287.6 (MANE Select); coding-DNA position 629, A replaced by C.
Protein change: p.Lys210Thr; replaces lysine 210 with threonine.
Molecular consequence: missense variant.
Genome position (GRCh38, 1-based): chr16:1,459,153, T>G on the plus strand (A>C on the coding strand, the complement: CLCN7 is on the minus strand). VCF-style: chr16-1459153-T-G. GRCh37 (hg19) VCF-style: chr16-1509154-T-G.
Other names: c.557A>C, p.Lys186Thr (NM_001114331.3); short protein forms K186T, K210T.
Identifiers: ClinVar variation 3345476 (VCV003345476.1).